The following is an entry in ClinVar:

NM_001257291.2(SLC9A7):c.298C>T (p.His100Tyr)

Gene: SLC9A7 (solute carrier family 9 member A7; minus strand). Cytogenetic location: Xp11.3.
Variant type: single nucleotide variant.
Coding change: c.298C>T on transcript NM_001257291.2 (MANE Select); coding-DNA position 298, C replaced by T.
Protein change: p.His100Tyr; replaces histidine 100 with tyrosine.
Molecular consequence: missense variant.
Genome position (GRCh38, 1-based): chrX:46,758,732, G>A on the plus strand (C>T on the coding strand, the complement: SLC9A7 is on the minus strand). VCF-style: chrX-46758732-G-A. GRCh37 (hg19) VCF-style: chrX-46618167-G-A.
Other names: c.298C>T, p.His100Tyr (NM_032591.3); short protein forms H100Y.
Identifiers: ClinVar variation 1308292 (VCV001308292.2), dbSNP rs2147045390, ClinGen allele CA413036536.

ClinVar aggregate classification (germline): Uncertain significance (1 of 4 stars; one submission).

Submission:

GeneDx
Classification: Uncertain significance. Last evaluated: 2019-04-04. Review status: criteria provided, single submitter. Criteria: GeneDx Variant Classification Process June 2021. Collection method: clinical testing. Allele origin: germline. Affected: yes.
Comment: Has not been previously published as pathogenic or benign to our knowledge; Not observed in large population cohorts (Lek et al., 2016); In silico analysis, which includes protein predictors and evolutionary conservation, supports a deleterious effect